The following is an entry in ClinVar:

ClinVar aggregate classification (germline): Uncertain significance (1 of 4 stars; one submission).

Allele frequency attached by ClinVar (database versions not stated): gnomAD exomes 0.00001; TOPMed 0.00001; gnomAD 0.00002.
gnomAD v4.1: 21 of 1,614,020 alleles (0.0013%); highest among the groups gnomAD compares: Middle Eastern, 0.016%; no homozygotes.

Submission:

Labcorp Genetics (formerly Invitae), Labcorp
Classification: Uncertain significance. Last evaluated: 2024-05-06. Review status: criteria provided, single submitter. Criteria: Invitae Variant Classification Sherloc (09022015). Collection method: clinical testing. Allele origin: germline.
Comment: This sequence change replaces leucine, which is neutral and non-polar, with serine, which is neutral and polar, at codon 847 of the ERCC6 protein (p.Leu847Ser). This variant is not present in population databases (gnomAD no frequency). This variant has not been reported in the literature in individuals affected with ERCC6-related conditions. ClinVar contains an entry for this variant (Variation ID: 1366470). Advanced modeling of protein sequence and biophysical properties (such as structural, functional, and spatial information, amino acid conservation, physicochemical variation, residue mobility, and thermodynamic stability) has been performed at Invitae for this missense variant, however the output from this modeling did not meet the statistical confidence thresholds required to predict the impact of this variant on ERCC6 protein function. In summary, the available evidence is currently insufficient to determine the role of this variant in disease. Therefore, it has been classified as a Variant of Uncertain Significance.

NM_000124.4(ERCC6):c.2540T>C (p.Leu847Ser)

Gene: ERCC6 (ERCC excision repair 6, chromatin remodeling factor; minus strand). Cytogenetic location: 10q11.23.
Variant type: single nucleotide variant.
Coding change: c.2540T>C on transcript NM_000124.4 (MANE Select); coding-DNA position 2540, T replaced by C.
Protein change: p.Leu847Ser; replaces leucine 847 with serine.
Molecular consequence: missense variant.
Genome position (GRCh38, 1-based): chr10:49,474,085, A>G on the plus strand (T>C on the coding strand, the complement: ERCC6 is on the minus strand). VCF-style: chr10-49474085-A-G. GRCh37 (hg19) VCF-style: chr10-50682131-A-G.
Other names: c.2540T>C, p.Leu847Ser (NM_001346440.2); short protein forms L847S.
Identifiers: ClinVar variation 1366470 (VCV001366470.5), dbSNP rs761812362, ClinGen allele CA206587941.
Genomic context (GRCh38, chr10:49,474,085, plus strand): 5'-ACCTGCCTTGACTGAGAAAACAGCAATACTCGCTGACCCTGCTTGTGCCATATTTTCAAC[A>G]AAGACTCAACAACAATCATTTTCCCAGAACGTTTCCAGTACCCAAACTGATCTTCTTCTA-3'
Protein context (NP_000115.1, residues 837-857): RSGKMIVVES[Leu847Ser]LKIWHKQGQR